The following is an entry in ClinVar:

NM_032608.7(MYO18B):c.7076del (p.Pro2359fs)

Gene: MYO18B (myosin XVIIIB; plus strand). Cytogenetic location: 22q12.1.
Variant type: Deletion.
Coding change: c.7076del on transcript NM_032608.7 (MANE Select); coding-DNA position 7076, one base deleted (C; older notation c.7076delC).
Protein change: p.Pro2359fs; shifts the reading frame from proline 2359.
Molecular consequence: frameshift variant.
Genome position (GRCh38, 1-based): chr22:26,027,050, C deleted; the last of 2 consecutive C bases (chr22:26,027,049-26,027,050); deleting either gives the same sequence. VCF-style (leftmost placement, unchanged base first): chr22-26027048-AC-A. GRCh37 (hg19) VCF-style: chr22-26423014-AC-A.
Other names: c.7079del, p.Pro2360fs (NM_001318245.2); short protein forms P2359fs, P2360fs.
Identifiers: ClinVar variation 2818290 (VCV002818290.3), dbSNP rs2518433736, ClinGen allele CA2739267846.

ClinVar aggregate classification (germline): Pathogenic (1 of 4 stars; one submission).

Submission:

Labcorp Genetics (formerly Invitae), Labcorp
Classification: Pathogenic. Last evaluated: 2025-10-06. Review status: criteria provided, single submitter. Criteria: Invitae Variant Classification Sherloc (09022015). Collection method: clinical testing. Allele origin: germline.
Comment: This sequence change creates a premature translational stop signal (p.Pro2359Argfs*7) in the MYO18B gene. It is expected to result in an absent or disrupted protein product. Loss-of-function variants in MYO18B are known to be pathogenic (PMID: 25748484, 32184166, 32637634). This variant is not present in population databases (gnomAD no frequency). This variant has not been reported in the literature in individuals affected with MYO18B-related conditions. ClinVar contains an entry for this variant (Variation ID: 2818290). For these reasons, this variant has been classified as Pathogenic.

Literature cited by the submitters: PubMed 25748484; PubMed 32184166; PubMed 32637634.